The following is an entry in ClinVar:

ClinVar aggregate classification (germline): Benign (1 of 4 stars; one submission).

Conditions:
Autosomal dominant cerebellar ataxia. Also called: Spinocerebellar Ataxia, Dominant. Identifiers: Orphanet 99, MedGen C4087347, MONDO:0020380.

Allele frequency attached by ClinVar (database versions not stated): 1000 Genomes Project 0.03015; gnomAD 0.03020 and 0.03249; 1000 Genomes Project 30x 0.03045; TOPMed 0.03311.

Submission:

Illumina Laboratory Services, Illumina
Classification: Benign for Spinocerebellar Ataxia, Dominant. Last evaluated: 2018-01-13. Review status: criteria provided, single submitter. Criteria: ICSL Variant Classification Criteria 13 December 2019. Collection method: clinical testing. Allele origin: germline.
Comment: This variant was observed in the ICSL laboratory as part of a predisposition screen in an ostensibly healthy population. It had not been previously curated by ICSL or reported in the Human Gene Mutation Database (HGMD: prior to June 1st, 2018), and was therefore a candidate for classification through an automated scoring system. Utilizing variant allele frequency, disease prevalence and penetrance estimates, and inheritance mode, an automated score was calculated to assess if this variant is too frequent to cause the disease. Based on the score and internal cut-off values, a variant classified as benign is not then subjected to further curation. The score for this variant resulted in a classification of benign for this disease.

NM_001378452.1(ITPR1):c.-81A>G

Gene: ITPR1 (inositol 1,4,5-trisphosphate receptor type 1; plus strand). Cytogenetic location: 3p26.1.
Variant type: single nucleotide variant.
Coding change: c.-81A>G on transcript NM_001378452.1 (MANE Select); 81 bases upstream of the start codon, A replaced by G.
Molecular consequence: 5 prime UTR variant.
Genome position (GRCh38, 1-based): chr3:4,494,442, A>G. VCF-style: chr3-4494442-A-G. GRCh37 (hg19) VCF-style: chr3-4536126-A-G.
Other names: c.-81A>G (NM_001099952.4, NM_001168272.2, NM_002222.7).
Identifiers: ClinVar variation 345336 (VCV000345336.5), dbSNP rs13319720, ClinGen allele CA10616517.
Genomic context (GRCh38, chr3:4,494,442, plus strand): 5'-TCATCTTCCGCGGTCTGGTACTCAGTCTTCTTTCTTTCTAAATATTTAGGAGCTGACTAC[A>G]GAGGAGCAGGATTTGCACCCCTCGCTGGGCTTGCTTTGGCAACAGAGTGCCTGACCCAGG-3'